The following is an entry in ClinVar:

ClinVar aggregate classification (germline): Uncertain significance (1 of 4 stars; one submission).

Conditions:
Beckwith-Wiedemann syndrome (BWS). Also called: Exomphalos macroglossia gigantism syndrome; EMG SYNDROME. Identifiers: Orphanet 116, MedGen C0004903, MONDO:0007534, OMIM 130650.

Submission:

Labcorp Genetics (formerly Invitae), Labcorp
Classification: Uncertain significance for Beckwith-Wiedemann syndrome. Last evaluated: 2023-10-18. Review status: criteria provided, single submitter. Criteria: Invitae Variant Classification Sherloc (09022015). Collection method: clinical testing. Allele origin: germline.
Comment: This sequence change falls in intron 1 of the CDKN1C gene. It does not directly change the encoded amino acid sequence of the CDKN1C protein. It affects a nucleotide within the consensus splice site. This variant is not present in population databases (gnomAD no frequency). This variant has not been reported in the literature in individuals affected with CDKN1C-related conditions. Variants that disrupt the consensus splice site are a relatively common cause of aberrant splicing (PMID: 17576681, 9536098). Algorithms developed to predict the effect of sequence changes on RNA splicing suggest that this variant may disrupt the consensus splice site. In summary, the available evidence is currently insufficient to determine the role of this variant in disease. Therefore, it has been classified as a Variant of Uncertain Significance.

Literature cited by the submitters: PubMed 17576681; PubMed 9536098.

NM_001122630.2(CDKN1C):c.787+4A>G

Gene: CDKN1C (cyclin dependent kinase inhibitor 1C; minus strand). Cytogenetic location: 11p15.4.
Variant type: single nucleotide variant.
Coding change: c.787+4A>G on transcript NM_001122630.2 (MANE Select); 4 bases into the intron after coding-DNA position 787, A replaced by G.
Molecular consequence: intron variant.
Genome position (GRCh38, 1-based): chr11:2,884,666, T>C on the plus strand (A>G on the coding strand, the complement: CDKN1C is on the minus strand). VCF-style: chr11-2884666-T-C. GRCh37 (hg19) VCF-style: chr11-2905896-T-C.
Other names: c.256-532A>G (NM_001362475.2); c.787+4A>G (NM_001122631.2); c.820+4A>G (NM_001362474.2, NM_000076.2).
Identifiers: ClinVar variation 2799652 (VCV002799652.3), dbSNP rs2494383011, ClinGen allele CA2612014374.
Genomic context (GRCh38, chr11:2,884,666, plus strand): 5'-GGGGACCGGCCGGCCGGACAAAGCGGGGCCGGGCCGGGCCGGGGCGGGGCCGTGCGGGGC[T>C]CACCGGAGATCAGAGGCCCGGACAGCTTCTTGATCGCCGCGCCGTTGGCGCTGGCGGCCG-3'